The following is an entry in ClinVar:

NM_000038.6(APC):c.7529A>T (p.Asn2510Ile)

Gene: APC (APC regulator of Wnt signaling pathway; plus strand). Cytogenetic location: 5q22.2.
Variant type: single nucleotide variant.
Coding change: c.7529A>T on transcript NM_000038.6 (MANE Select); coding-DNA position 7529, A replaced by T.
Protein change: p.Asn2510Ile; replaces asparagine 2510 with isoleucine.
Molecular consequence: missense variant. On other transcripts: non-coding transcript variant (2).
Genome position (GRCh38, 1-based): chr5:112,843,123, A>T. VCF-style: chr5-112843123-A-T. GRCh37 (hg19) VCF-style: chr5-112178820-A-T.
Other names: c.7529A>T, p.Asn2510Ile (NM_001127510.3, NM_001354895.2, NM_001407450.1); c.7475A>T, p.Asn2492Ile (NM_001127511.3); c.7583A>T, p.Asn2528Ile (NM_001354896.2, NM_001407447.1, NM_001407448.1 and 1 more transcripts); c.7559A>T, p.Asn2520Ile (NM_001354897.2); c.7454A>T, p.Asn2485Ile (NM_001354898.2); c.7445A>T, p.Asn2482Ile (NM_001354899.2); c.7406A>T, p.Asn2469Ile (NM_001354900.2); c.7352A>T, p.Asn2451Ile (NM_001354901.2, NM_001407453.1); and 11 more; short protein forms N2419I, N2469I, N2482I, N2503I, N2126I, N2227I, N2520I, N2528I.
Identifiers: ClinVar variation 3635517 (VCV003635517.2).

ClinVar aggregate classification (germline): Uncertain significance (1 of 4 stars; one submission).

Conditions:
Familial adenomatous polyposis 1 (FAP1). Also called: FAMILIAL ADENOMATOUS POLYPOSIS 1, ATTENUATED; POLYPOSIS, ADENOMATOUS INTESTINAL. Identifiers: MedGen C2713442, MONDO:0021056, OMIM 175100. Disease mechanism: loss of function.

Submission:

Labcorp Genetics (formerly Invitae), Labcorp
Classification: Uncertain significance for Familial adenomatous polyposis 1. Last evaluated: 2024-04-30. Review status: criteria provided, single submitter. Criteria: Invitae Variant Classification Sherloc (09022015). Collection method: clinical testing. Allele origin: germline.
Comment: This sequence change replaces asparagine, which is neutral and polar, with isoleucine, which is neutral and non-polar, at codon 2510 of the APC protein (p.Asn2510Ile). This variant is not present in population databases (gnomAD no frequency). This variant has not been reported in the literature in individuals affected with APC-related conditions. Advanced modeling of protein sequence and biophysical properties (such as structural, functional, and spatial information, amino acid conservation, physicochemical variation, residue mobility, and thermodynamic stability) performed at Invitae indicates that this missense variant is not expected to disrupt APC protein function with a negative predictive value of 95%. In summary, the available evidence is currently insufficient to determine the role of this variant in disease. Therefore, it has been classified as a Variant of Uncertain Significance.